The following is an entry in ClinVar:

NM_001447.3(FAT2):c.9428-9C>A

Genes: FAT2 (FAT atypical cadherin 2; minus strand), SLC36A1 (solute carrier family 36 member 1; plus strand). Cytogenetic location: 5q33.1.
Variant type: single nucleotide variant.
Coding change: c.9428-9C>A on transcript NM_001447.3 (MANE Select); 9 bases into the intron before coding-DNA position 9428, C replaced by A.
Molecular consequence: intron variant.
Genome position (GRCh38, 1-based): chr5:151,531,979, G>T on the plus strand (C>A on the coding strand, the complement: FAT2 is on the minus strand). VCF-style: chr5-151531979-G-T. GRCh37 (hg19) VCF-style: chr5-150911540-G-T.
Identifiers: ClinVar variation 4770823 (VCV004770823.1).
Genomic context (GRCh38, chr5:151,531,979, plus strand): 5'-AAGTGGCCTTCGGCTGAATCCGGCAGAGAGTAAACCACCTGGGCATTGGCGCCTGGCAGG[G>T]AGACCAAGGGTGTGATCCACACTGAGGGCGCCTCCTCTGGACCTGCCTGCAGCAAACCCT-3'

ClinVar aggregate classification (germline): Uncertain significance (1 of 4 stars; one submission).

Submission:

Labcorp Genetics (formerly Invitae), Labcorp
Classification: Uncertain significance. Last evaluated: 2025-08-01. Review status: criteria provided, single submitter. Criteria: Invitae Variant Classification Sherloc (09022015). Collection method: clinical testing. Allele origin: germline.
Comment: This sequence change falls in intron 12 of the FAT2 gene. It does not directly change the encoded amino acid sequence of the FAT2 protein. This variant is not present in population databases (gnomAD no frequency). This variant has not been reported in the literature in individuals affected with FAT2-related conditions. Algorithms developed to predict the effect of sequence changes on RNA splicing suggest that this variant may disrupt the consensus splice site. In summary, the available evidence is currently insufficient to determine the role of this variant in disease. Therefore, it has been classified as a Variant of Uncertain Significance.